The following is an entry in ClinVar:

ClinVar aggregate classification (germline): Uncertain significance (1 of 4 stars; one submission).

Allele frequency attached by ClinVar (database versions not stated): gnomAD exomes below 0.00001.
gnomAD v4.1: 2 of 1,614,180 alleles (0.00012%); highest among the groups gnomAD compares: Non-Finnish European, 0.000085%; no homozygotes.

Submission:

Labcorp Genetics (formerly Invitae), Labcorp
Classification: Uncertain significance. Last evaluated: 2024-03-04. Review status: criteria provided, single submitter. Criteria: Invitae Variant Classification Sherloc (09022015). Collection method: clinical testing. Allele origin: germline.
Comment: This sequence change replaces valine, which is neutral and non-polar, with methionine, which is neutral and non-polar, at codon 336 of the CSF2RB protein (p.Val336Met). This variant is not present in population databases (gnomAD no frequency). This variant has not been reported in the literature in individuals affected with CSF2RB-related conditions. ClinVar contains an entry for this variant (Variation ID: 2010955). Advanced modeling of protein sequence and biophysical properties (such as structural, functional, and spatial information, amino acid conservation, physicochemical variation, residue mobility, and thermodynamic stability) performed at Invitae indicates that this missense variant is not expected to disrupt CSF2RB protein function with a negative predictive value of 80%. In summary, the available evidence is currently insufficient to determine the role of this variant in disease. Therefore, it has been classified as a Variant of Uncertain Significance.

NM_000395.3(CSF2RB):c.1006G>A (p.Val336Met)

Gene: CSF2RB (colony stimulating factor 2 receptor subunit beta; plus strand). Cytogenetic location: 22q12.3.
Variant type: single nucleotide variant.
Coding change: c.1006G>A on transcript NM_000395.3 (MANE Select); coding-DNA position 1006, G replaced by A.
Protein change: p.Val336Met; replaces valine 336 with methionine.
Molecular consequence: missense variant.
Genome position (GRCh38, 1-based): chr22:36,930,824, G>A. VCF-style: chr22-36930824-G-A. GRCh37 (hg19) VCF-style: chr22-37326866-G-A.
Other names: c.1024G>A, p.Val342Met (NM_001410827.1); short protein forms V336M, V342M.
Identifiers: ClinVar variation 2010955 (VCV002010955.4), dbSNP rs1569136311, ClinGen allele CA411408442.